The following is an entry in ClinVar:

ClinVar aggregate classification (germline): Likely benign. Review status: criteria provided, multiple submitters, no conflicts (2 of 4 stars). 2 submissions from 2 submitters: Likely benign (2). Last evaluated 2026-01-22.

Conditions:
Developmental and epileptic encephalopathy, 54. Also called: Epileptic encephalopathy, early infantile, 54; HNRNPU-Related Neurodevelopmental Disorder. Identifiers: MedGen C4479319, MONDO:0033363, OMIM 617391.
HNRNPU-related disorder. Also called: HNRNPU-related condition.

Allele frequency attached by ClinVar (database versions not stated): TOPMed below 0.00001; ExAC 0.00001; gnomAD exomes 0.00001 and 0.00004.
gnomAD v4.1: 56 of 1,613,924 alleles (0.0035%); highest among the groups gnomAD compares: Non-Finnish European, 0.0046%; no homozygotes.

Submissions (2):

Labcorp Genetics (formerly Invitae), Labcorp
Classification: Likely benign for Developmental and epileptic encephalopathy, 54. Last evaluated: 2026-01-22. Review status: criteria provided, single submitter. Criteria: Invitae Variant Classification Sherloc (09022015). Collection method: clinical testing. Allele origin: germline.

PreventionGenetics, part of Exact Sciences
Classification: Likely benign for HNRNPU-related condition. Last evaluated: 2025-10-15. Review status: criteria provided, single submitter. Criteria: ACMG Guidelines, 2015. Collection method: clinical testing. Allele origin: germline.
Comment: This variant is classified as likely benign based on ACMG/AMP sequence variant interpretation guidelines (Richards et al. 2015 PMID: 25741868, with internal and published modifications).

NM_031844.3(HNRNPU):c.1292C>G (p.Ala431Gly)

Gene: HNRNPU (heterogeneous nuclear ribonucleoprotein U; minus strand). Cytogenetic location: 1q44.
Variant type: single nucleotide variant.
Coding change: c.1292C>G on transcript NM_031844.3 (MANE Select); coding-DNA position 1292, C replaced by G.
Protein change: p.Ala431Gly; replaces alanine 431 with glycine.
Molecular consequence: missense variant.
Genome position (GRCh38, 1-based): chr1:244,858,213, G>C on the plus strand (C>G on the coding strand, the complement: HNRNPU is on the minus strand). VCF-style: chr1-244858213-G-C. GRCh37 (hg19) VCF-style: chr1-245021515-G-C.
Other names: c.1235C>G, p.Ala412Gly (NM_004501.3); short protein forms A431G, A412G.
Identifiers: ClinVar variation 847073 (VCV000847073.4), dbSNP rs769350097, ClinGen allele CA1486485.
Genomic context (GRCh38, chr1:244,858,213, plus strand): 5'-TGGCAGAGAACATGCGGGAACAGTGGCCGTCCAGCAAGAACTTCCTTACTGATTTTGAAG[G>C]CAACGCCAAGATCTTGTCCATTCTTAGCATACGAGAGTTCTACTTCATCACTTTCAAAGT-3'
Protein context (NP_114032.2, residues 421-441): YAKNGQDLGV[Ala431Gly]FKISKEVLAG